The following is an entry in ClinVar:

ClinVar aggregate classification (germline): Pathogenic. Review status: criteria provided, multiple submitters, no conflicts (2 of 4 stars). 11 submissions from 11 submitters: Pathogenic (9). 2 of the submissions do not count toward it. Last evaluated 2025-08-25.

Conditions:
KIF1A-related disorder. Also called: KIF1A-related disorders; KIF1A-related condition.
Early-infantile developmental and epileptic encephalopathy. Identifiers: MedGen C5781758.
Neuropathy, hereditary sensory, type 2C. Also called: Hereditary sensory and autonomic neuropathy type IIC; KIF1A-Related HSAN2 (HSAN2C). Identifiers: Orphanet 970, MedGen C3280168, MONDO:0013634, OMIM 614213.
Intellectual disability, autosomal dominant 9 (NESCAVS). Also called: KIF1A-Related Neurodevelopmental Disorder; NESCAV SYNDROME. Identifiers: Orphanet 662367, MedGen C5393830, MONDO:0013656, OMIM 614255.
Hereditary spastic paraplegia 30. Identifiers: Orphanet 101010, MedGen C5235139, MONDO:0012476.

Submissions (11):

Daryl Scott Lab, Baylor College of Medicine
Classification: Pathogenic for KIF1A-related disorder. Last evaluated: 2025-08-25. Review status: criteria provided, single submitter. Criteria: ACMG Guidelines, 2015. Collection method: clinical testing. Allele origin: de novo. Affected: yes. Observed: 1 heterozygote.
Comment: PS2, PS3, PS4, PM2, PP3

Unidad de Genómica Garrahan, Hospital de Pediatría Garrahan
Classification: Pathogenic for Early-infantile developmental and epileptic encephalopathy. Last evaluated: 2024-01-01. Review status: criteria provided, single submitter. Criteria: ACMG Guidelines, 2015. Collection method: clinical testing. Allele origin: germline. Affected: yes. Observed: 1 variant allele.
Comment: ACMG/AMP criteria applied: PS3_supporting, PM1_moderate, PM2_supporting, PM5_moderate, PM6_moderate, PP3_strong.

Labcorp Genetics (formerly Invitae), Labcorp
Classification: Pathogenic for Hereditary spastic paraplegia 30; Neuropathy, hereditary sensory, type 2C; Intellectual disability, autosomal dominant 9. Last evaluated: 2023-02-18. Review status: criteria provided, single submitter. Criteria: Invitae Variant Classification Sherloc (09022015). Collection method: clinical testing. Allele origin: germline.
Comment: For these reasons, this variant has been classified as Pathogenic. This variant disrupts the p.Glu253 amino acid residue in KIF1A. Other variant(s) that disrupt this residue have been determined to be pathogenic (Invitae). This suggests that this residue is clinically significant, and that variants that disrupt this residue are likely to be disease-causing. Experimental studies have shown that this missense change affects KIF1A function (PMID: 25265257). Advanced modeling of protein sequence and biophysical properties (such as structural, functional, and spatial information, amino acid conservation, physicochemical variation, residue mobility, and thermodynamic stability) performed at Invitae indicates that this missense variant is expected to disrupt KIF1A protein function. ClinVar contains an entry for this variant (Variation ID: 162059). This missense change has been observed in individual(s) with autosomal dominant KIF1A-related conditions (PMID: 25265257). In at least one individual the variant was observed to be de novo. This variant is not present in population databases (gnomAD no frequency). This sequence change replaces glutamic acid, which is acidic and polar, with lysine, which is basic and polar, at codon 253 of the KIF1A protein (p.Glu253Lys).

Blueprint Genetics
Classification: Pathogenic for KIF1A-related disorders. Last evaluated: 2022-09-16. Review status: criteria provided, single submitter. Criteria: ACMG Guidelines, 2015. Collection method: clinical testing. Allele origin: germline. Affected: yes. Observed: 2 variant alleles.

GeneDx
Classification: Pathogenic. Last evaluated: 2022-03-31. Review status: criteria provided, single submitter. Criteria: GeneDx Variant Classification Process June 2021. Collection method: clinical testing. Allele origin: germline. Affected: yes.
Comment: Published functional studies demonstrate that this variant results in a protein with no motility that acts in a dominant-negative manner (Esmaeeli Nieh et al., 2015; Boyle et al., 2021); Not observed in large population cohorts (gnomAD); This variant is associated with the following publications: (PMID: 25265257, 26486474, 25852444, 30385166, 28333917, 26125038, 28332297, 25585697, 25326635, 32096284, 31216405, 32978145, 21376300, 33880452, 31394400, 34916088)

Victorian Clinical Genetics Services, Murdoch Childrens Research Institute
Classification: Pathogenic for Intellectual disability, autosomal dominant 9. Last evaluated: 2022-02-02. Review status: criteria provided, single submitter. Criteria: ACMG Guidelines, 2015. Collection method: clinical testing. Allele origin: germline. Inheritance: Autosomal dominant inheritance. Affected: yes.
Comment: Based on the classification scheme VCGS_Germline_v1.3.4, this variant is classified as Pathogenic. Following criteria are met: 0103 - Dominant negative, loss of function and gain of function are known mechanisms of disease in this gene. Dominant negative effect has been shown to cause NESCAV syndrome (MIM#614255; OMIM). Both loss and gain of function mechanisms have been reported for variants causing spastic paraplegia (MIM#610357, MIM#610357) and hereditary sensory and autonomic neuropathy type 2 (HSAN2; MIM#614213) (PMID 31488895, 31455732). (I) 0108 - This gene is known to be associated with both recessive and dominant disease. Genotype-phenotype correlation is currently unestablished. Missense variants tend to cluster within the kinesin motor domain and have been reported for both SPG30 and NESCAV syndrome. Only the correlation for HSAN2 (MIM#614213) is established with all patients except for one, carrying null variants outside the motor domain (PMID: 32737135). (I) 0200 - Variant is predicted to result in a missense amino acid change from glutamic acid to lysine. (I) 0251 - This variant is heterozygous. (I) 0301 - Variant is absent from gnomAD (both v2 and v3). (SP) 0501 - Missense variant consistently predicted to be damaging by multiple in silico tools or highly conserved with a major amino acid change. (SP) 0602 - Variant is located in a hotspot region or cluster of pathogenic variants (DECIPHER). (SP) 0801 - This variant has strong previous evidence of pathogenicity in unrelated individuals. It has been found de novo in at least five individuals with syndromic intellectual disability or developmental delay (PMID: 25852444, 26125038, 25265257, 32096284). (SP) 1208 - Inheritance information for this variant is not currently available in this individual. (I) Legend: (SP) - Supporting pathogenic, (I) - Information, (SB) - Supporting benign

Dasa
Classification: Pathogenic for Hereditary spastic paraplegia 30. Last evaluated: 2022-01-05. Review status: criteria provided, single submitter. Criteria: ACMG Guidelines, 2015. Collection method: clinical testing. Allele origin: germline. Affected: yes. Observed: 1 variant allele.
Comment: The c.757G>A;p.(Glu253Lys) missense variant has been observed in affected individual(s) and ClinVar contains an entry for this variant (ClinVar ID: 162059; OMIM: 601255.0007; PMID: 32096284; 30385166; 26125038) -; 25265257) - PS4. Well-established in vitro or in vivo functional studies support a damaging effect on the gene or gene product (PMID: 25265257) - PS3_moderate. The variant is located in a mutational hot spot and/or critical and well-established functional domain (kinesin motor domain) - PM1. This variant is not present in population databases (rs672601369, gnomAD; ABraOM no frequency) - PM2. The variant was assumed de novo, but without confirmation of paternity and maternity (PMID: 32096284; 30385166; 26125038) - PM6. Missense variant in KIF1A that has a low rate of benign missense variation and in which missense variants are a common mechanism of disease - PP2. Multiple lines of computational evidence support a deleterious effect on the gene or gene product - PP3. In summary, the currently available evidence indicates that the variant is pathogenic.

Revvity Omics, Revvity
Classification: Pathogenic. Last evaluated: 2021-06-24. Review status: criteria provided, single submitter. Criteria: ACMG Guidelines, 2015. Collection method: clinical testing. Allele origin: germline.

Baylor Genetics
Classification: Pathogenic for Intellectual disability, autosomal dominant 9; Neuropathy, hereditary sensory, type 2C; Spastic paraplegia 30A, autosomal dominant. Last evaluated: 2017-12-31. Review status: criteria provided, single submitter. Criteria: ACMG Guidelines, 2015. Collection method: clinical testing. Allele origin: germline. Affected: yes.
Comment: Reclassification to existing record

OMIM
Classification: Pathogenic for NESCAV SYNDROME. Last evaluated: 2014-09-29. Review status: no assertion criteria provided. Collection method: literature only. Allele origin: germline. Not counted in ClinVar's aggregate classification.

CHU Sainte-Justine Research Center, University of Montreal
Classification: Pathogenic for Mental retardation, autosomal dominant 9. Last evaluated: 2014-01-01. Review status: no assertion criteria provided. Collection method: clinical testing. Allele origin: de novo. Inheritance: Sporadic. Affected: yes. Observed: 2 variant alleles, 2 heterozygotes. Clinical features observed: intellectual disability, axonal neuropathy, optic nerve atrophy, cerebellar atrophy, microcephaly, intractable epilepsy, spasticity. Not counted in ClinVar's aggregate classification.

Literature cited by the submitters: PubMed 25265257 (cited by 6 submitters); PubMed 25852444 (cited by Victorian Clinical Genetics Services, Murdoch Childrens Research Institute); PubMed 26125038 (cited by 3 submitters); PubMed 31455732 (cited by Victorian Clinical Genetics Services, Murdoch Childrens Research Institute); PubMed 31488895 (cited by Victorian Clinical Genetics Services, Murdoch Childrens Research Institute); PubMed 32096284 (cited by 3 submitters); PubMed 32737135 (cited by Victorian Clinical Genetics Services, Murdoch Childrens Research Institute); PubMed 30385166 (cited by Dasa and OMIM); PubMed 26994895 (cited by Dasa); PubMed 30144970 (cited by Dasa); PubMed 25326635 (cited by Baylor Genetics); Esmaeeli Nieh, S., Madou, M. R. Z., Sirajuddin, M., Fregeau, B., McKnight, D., Lexa, K., Strober, J., Spaeth, C., Hallinan, B. E., Smaoui, N., Pappas, J. G., Burrow, T. A., McDonald, M. T., Latibashvili, M., Leshinsky-Silver, E., Lev, D., Blumkin, L., Vale, R. D., Barkovich, A. J., Sherr, E. H. De novo mutations in KIF1A cause progressive encephalopathy and brain atrophy. Ann. Clin. Transl. Neurol. 2: 623-635, 2015. (cited by OMIM).

NM_001244008.2(KIF1A):c.757G>A (p.Glu253Lys)

Gene: KIF1A (kinesin family member 1A; minus strand). Cytogenetic location: 2q37.3.
Variant type: single nucleotide variant.
Coding change: c.757G>A on transcript NM_001244008.2 (MANE Select); coding-DNA position 757, G replaced by A.
Protein change: p.Glu253Lys; replaces glutamic acid 253 with lysine.
Molecular consequence: missense variant.
Genome position (GRCh38, 1-based): chr2:240,783,780, C>T on the plus strand (G>A on the coding strand, the complement: KIF1A is on the minus strand). VCF-style: chr2-240783780-C-T. GRCh37 (hg19) VCF-style: chr2-241723197-C-T.
Other names: NP_001230937.1:p.(Glu253Lys); c.757G>A, p.Glu253Lys (NM_001320705.2, NM_001330289.2, NM_001330290.2 and 20 more transcripts); short protein forms E253K.
Identifiers: ClinVar variation 162059 (VCV000162059.23), dbSNP rs672601369, ClinGen allele CA212633.